The following is an entry in ClinVar:

ClinVar aggregate classification (germline): Uncertain significance (1 of 4 stars; one submission).

Conditions:
Retinoblastoma (RB1). Also called: RETINOBLASTOMA, SOMATIC. Identifiers: Orphanet 790, MedGen C0035335, MeSH D012175, MONDO:0008380, OMIM 180200, HP:0009919. Disease mechanism: loss of function. Inheritance: Both sporadic and heritable forms are tested..

gnomAD v4.1: 2 of 1,500,076 alleles (0.00013%); highest among the groups gnomAD compares: Non-Finnish European, 0.00018%; no homozygotes.

Submission:

Labcorp Genetics (formerly Invitae), Labcorp
Classification: Uncertain significance for Retinoblastoma. Last evaluated: 2025-05-07. Review status: criteria provided, single submitter. Criteria: Invitae Variant Classification Sherloc (09022015). Collection method: clinical testing. Allele origin: germline.
Comment: This variant occurs in a non-coding region of the RB1 gene. It does not change the encoded amino acid sequence of the RB1 protein. This variant is not present in population databases (gnomAD no frequency). This variant has not been reported in the literature in individuals affected with RB1-related conditions. In summary, the available evidence is currently insufficient to determine the role of this variant in disease. Therefore, it has been classified as a Variant of Uncertain Significance.

NM_000321.3(RB1):c.-49T>C

Gene: RB1 (RB transcriptional corepressor 1; plus strand). Cytogenetic location: 13q14.2.
Variant type: single nucleotide variant.
Coding change: c.-49T>C on transcript NM_000321.3 (MANE Select); 49 bases upstream of the start codon, T replaced by C.
Molecular consequence: 5 prime UTR variant.
Genome position (GRCh38, 1-based): chr13:48,303,864, T>C. VCF-style: chr13-48303864-T-C. GRCh37 (hg19) VCF-style: chr13-48878000-T-C.
Other names: c.-49T>C (NM_001407165.1, NM_001407166.1, NM_001407167.1).
Identifiers: ClinVar variation 4695154 (VCV004695154.1).